The following is an entry in ClinVar:

NM_022437.3(ABCG8):c.1537A>T (p.Met513Leu)

Gene: ABCG8 (ATP binding cassette subfamily G member 8; plus strand). Cytogenetic location: 2p21.
Variant type: single nucleotide variant.
Coding change: c.1537A>T on transcript NM_022437.3 (MANE Select); coding-DNA position 1537, A replaced by T.
Protein change: p.Met513Leu; replaces methionine 513 with leucine.
Molecular consequence: missense variant.
Genome position (GRCh38, 1-based): chr2:43,875,194, A>T. VCF-style: chr2-43875194-A-T. GRCh37 (hg19) VCF-style: chr2-44102333-A-T.
Other names: c.1534A>T, p.Met512Leu (NM_001357321.2); short protein forms M512L, M513L.
Identifiers: ClinVar variation 3992630 (VCV003992630.1).
Genomic context (GRCh38, chr2:43,875,194, plus strand): 5'-TGTTCTTTGCAGATCCTCGGGGAGCTTCCGGAGCACTGTGCCTACATCATCATCTACGGG[A>T]TGCCCACCTACTGGCTGGCCAACCTGAGGCCAGGCCTCCAGCCCTTCCTGCTGCACTTCC-3'
Protein context (NP_071882.1, residues 503-523): EHCAYIIIYG[Met513Leu]PTYWLANLRP

ClinVar aggregate classification (germline): Uncertain significance (1 of 4 stars; one submission).

Conditions:
Cardiovascular phenotype. Identifiers: MedGen CN230736.

gnomAD v4.1: 1 of 1,614,216 alleles (0.000062%); highest among the groups gnomAD compares: Non-Finnish European, 0.000085%; no homozygotes.

Submission:

Ambry Genetics
Classification: Uncertain significance for Cardiovascular phenotype. Last evaluated: 2025-04-05. Review status: criteria provided, single submitter. Criteria: Ambry Variant Classification Scheme 2023. Collection method: clinical testing. Allele origin: germline.
Comment: The p.M513L variant (also known as c.1537A>T), located in coding exon 11 of the ABCG8 gene, results from an A to T substitution at nucleotide position 1537. The methionine at codon 513 is replaced by leucine, an amino acid with highly similar properties. This amino acid position is conserved. In addition, this alteration is predicted to be tolerated by in silico analysis. Based on the available evidence, the clinical significance of this variant remains unclear.